The following is an entry in ClinVar:

ClinVar aggregate classification (germline): Uncertain significance (1 of 4 stars; one submission).

Submission:

Labcorp Genetics (formerly Invitae), Labcorp
Classification: Uncertain significance. Last evaluated: 2022-09-27. Review status: criteria provided, single submitter. Criteria: Invitae Variant Classification Sherloc (09022015). Collection method: clinical testing. Allele origin: germline.
Comment: This sequence change creates a premature translational stop signal (p.Thr119Glnfs*37) in the IL18BP gene. While this is not anticipated to result in nonsense mediated decay, it is expected to disrupt the last 76 amino acid(s) of the IL18BP protein. This variant is present in population databases (rs753258672, gnomAD 0.09%), and has an allele count higher than expected for a pathogenic variant. This variant has not been reported in the literature in individuals affected with IL18BP-related conditions. Experimental studies and prediction algorithms are not available or were not evaluated, and the functional significance of this variant is currently unknown. In summary, the available evidence is currently insufficient to determine the role of this variant in disease. Therefore, it has been classified as a Variant of Uncertain Significance.

NM_001039660.2(IL18BP):c.355_356del (p.Thr119fs)

Gene: IL18BP (interleukin 18 binding protein; plus strand). Cytogenetic location: 11q13.4.
Variant type: Deletion.
Coding change: c.355_356del on transcript NM_001039660.2 (MANE Select); coding-DNA positions 355 to 356, 2 bases deleted (AC; older notation c.355_356delAC).
Protein change: p.Thr119fs; shifts the reading frame from threonine 119.
Molecular consequence: frameshift variant. On other transcripts: intron variant (1).
Genome position (GRCh38, 1-based): chr11:72,001,320-72,001,321, AC deleted; deleting any 2 consecutive bases within chr11:72,001,319-72,001,321 gives the same sequence; the c. name uses the placement nearest the transcript's 3' end. VCF-style (leftmost placement, unchanged base first): chr11-72001318-GCA-G. GRCh37 (hg19) VCF-style: chr11-71712364-GCA-G.
Other names: c.355_356del, p.Thr119fs (NM_001039659.2, NM_001145057.1, NM_005699.3 and 2 more transcripts); c.236-464_236-463del (NM_001145055.1); short protein forms T119fs.
Identifiers: ClinVar variation 2420160 (VCV002420160.3), dbSNP rs753258672, ClinGen allele CA6166194.